The following is an entry in ClinVar:

NM_002337.4(LRPAP1):c.751+1G>A

Gene: LRPAP1 (LDL receptor related protein associated protein 1; minus strand). Cytogenetic location: 4p16.3.
Variant type: single nucleotide variant.
Coding change: c.751+1G>A on transcript NM_002337.4 (MANE Select); the canonical splice donor site of the intron after coding-DNA position 751, G replaced by A.
Molecular consequence: splice donor variant.
Genome position (GRCh38, 1-based): chr4:3,518,033, C>T on the plus strand (G>A on the coding strand, the complement: LRPAP1 is on the minus strand). VCF-style: chr4-3518033-C-T. GRCh37 (hg19) VCF-style: chr4-3519760-C-T.
Identifiers: ClinVar variation 4854134 (VCV004854134.1).

ClinVar aggregate classification (germline): Likely pathogenic (1 of 4 stars; one submission).

Conditions:
Myopia 23, autosomal recessive (MYP23). Identifiers: MedGen C3809482, MONDO:0014183, OMIM 615431.

gnomAD v4.1: 2 of 1,601,498 alleles (0.00012%); highest among the groups gnomAD compares: Admixed American, 0.0034%; no homozygotes.

Submission:

3billion
Classification: Likely pathogenic for Myopia 23, autosomal recessive. Last evaluated: 2026-01-23. Review status: criteria provided, single submitter. Criteria: ACMG Guidelines, 2015. Collection method: clinical testing. Allele origin: germline. Affected: yes.
Comment: The variant is observed at an extremely low frequency in the gnomAD v4.1.0 dataset (total allele frequency: <0.001%). Predicted Consequence/Location: Canonical splice site: predicted to alter splicing and result in a loss or disruption of normal protein function. Multiple pathogenic loss-of-function variants are reported downstream of the variant. In silico tools predict the variant to alter splicing and produce an abnormal transcript [SpliceAI: 1.00 (spliceogenicity >=0.2, non-spliceogenicity <0.1)]. Therefore, this variant is classified as Likely pathogenic according to the recommendation of ACMG/AMP guideline.